The following is an entry in ClinVar:

ClinVar aggregate classification (germline): Benign/Likely benign. Review status: criteria provided, multiple submitters, no conflicts (2 of 4 stars). 4 submissions from 4 submitters: Benign (1); Likely benign (2). 1 of the submissions does not count toward it. Last evaluated 2026-01-08.

Conditions:
CHST6-related disorder. Also called: CHST6-related condition.
Macular corneal dystrophy (MCD). Also called: GROENOUW TYPE II CORNEAL DYSTROPHY; Macular corneal dystrophy Type I. Identifiers: Orphanet 98969, MedGen C1636149, MONDO:0009020, OMIM 217800.

Allele frequency attached by ClinVar (database versions not stated): gnomAD exomes 0.00026 and 0.00064; ExAC 0.00091; gnomAD 0.00200 and 0.00219; TOPMed 0.00230; 1000 Genomes Project 30x 0.00234; 1000 Genomes Project 0.00240; ESP Exome Variant Server 0.00308.
gnomAD v4.1: 730 of 1,611,442 alleles (0.045%); highest among the groups gnomAD compares: African/African-American, 0.65%; no homozygotes.

Submissions (4):

Labcorp Genetics (formerly Invitae), Labcorp
Classification: Benign for Macular corneal dystrophy. Last evaluated: 2026-01-08. Review status: criteria provided, single submitter. Criteria: Invitae Variant Classification Sherloc (09022015). Collection method: clinical testing. Allele origin: germline.

Illumina Laboratory Services, Illumina
Classification: Likely benign for Macular corneal dystrophy. Last evaluated: 2018-01-12. Review status: criteria provided, single submitter. Criteria: ICSL Variant Classification Criteria 13 December 2019. Collection method: clinical testing. Allele origin: germline.
Comment: This variant was observed in the ICSL laboratory as part of a predisposition screen in an ostensibly healthy population. It had not been previously curated by ICSL or reported in the Human Gene Mutation Database (HGMD: prior to June 1st, 2018), and was therefore a candidate for classification through an automated scoring system. Utilizing variant allele frequency, disease prevalence and penetrance estimates, and inheritance mode, an automated score was calculated to assess if this variant is too frequent to cause the disease. Based on the score and internal cut-off values, a variant classified as likely benign is not then subjected to further curation. The score for this variant resulted in a classification of likely benign for this disease.

Breakthrough Genomics
Classification: Likely benign. Review status: criteria provided, single submitter. Criteria: ACMG Guidelines, 2015. Collection method: not provided. Allele origin: germline. Inheritance: Autosomal recessive inheritance. Affected: yes.

PreventionGenetics, part of Exact Sciences
Classification: Likely benign for CHST6-related condition. Last evaluated: 2019-06-07. Review status: no assertion criteria provided. Collection method: clinical testing. Allele origin: germline. Not counted in ClinVar's aggregate classification.
Comment: This variant is classified as likely benign based on ACMG/AMP sequence variant interpretation guidelines (Richards et al. 2015 PMID: 25741868, with internal and published modifications).

NM_021615.5(CHST6):c.130C>T (p.Leu44=)

Gene: CHST6 (carbohydrate sulfotransferase 6; minus strand). Cytogenetic location: 16q23.1.
Variant type: single nucleotide variant.
Coding change: c.130C>T on transcript NM_021615.5 (MANE Select); coding-DNA position 130, C replaced by T.
Protein change: p.Leu44=; no amino-acid change (leucine 44 retained).
Molecular consequence: synonymous variant.
Genome position (GRCh38, 1-based): chr16:75,479,699, G>A on the plus strand (C>T on the coding strand, the complement: CHST6 is on the minus strand). VCF-style: chr16-75479699-G-A. GRCh37 (hg19) VCF-style: chr16-75513597-G-A.
Identifiers: ClinVar variation 784589 (VCV000784589.13), dbSNP rs140675009, ClinGen allele CA8175576.